The following is an entry in ClinVar:

ClinVar aggregate classification (germline): Uncertain significance (1 of 4 stars; one submission).

Submission:

Labcorp Genetics (formerly Invitae), Labcorp
Classification: Uncertain significance. Last evaluated: 2022-11-28. Review status: criteria provided, single submitter. Criteria: Invitae Variant Classification Sherloc (09022015). Collection method: clinical testing. Allele origin: germline.
Comment: This sequence change replaces alanine, which is neutral and non-polar, with glycine, which is neutral and non-polar, at codon 315 of the GATAD2B protein (p.Ala315Gly). This variant is not present in population databases (gnomAD no frequency). This variant has not been reported in the literature in individuals affected with GATAD2B-related conditions. Advanced modeling of protein sequence and biophysical properties (such as structural, functional, and spatial information, amino acid conservation, physicochemical variation, residue mobility, and thermodynamic stability) performed at Invitae indicates that this missense variant is not expected to disrupt GATAD2B protein function. In summary, the available evidence is currently insufficient to determine the role of this variant in disease. Therefore, it has been classified as a Variant of Uncertain Significance.

NM_020699.4(GATAD2B):c.944C>G (p.Ala315Gly)

Gene: GATAD2B (GATA zinc finger domain containing 2B; minus strand). Cytogenetic location: 1q21.3.
Variant type: single nucleotide variant.
Coding change: c.944C>G on transcript NM_020699.4 (MANE Select); coding-DNA position 944, C replaced by G.
Protein change: p.Ala315Gly; replaces alanine 315 with glycine.
Molecular consequence: missense variant.
Genome position (GRCh38, 1-based): chr1:153,816,545, G>C on the plus strand (C>G on the coding strand, the complement: GATAD2B is on the minus strand). VCF-style: chr1-153816545-G-C. GRCh37 (hg19) VCF-style: chr1-153789021-G-C.
Other names: short protein forms A315G.
Identifiers: ClinVar variation 2817148 (VCV002817148.3), dbSNP rs2525248442, ClinGen allele CA342528208.